The following is an entry in ClinVar:

NM_000245.4(MET):c.2797G>A (p.Gly933Arg)

Gene: MET (MET proto-oncogene, receptor tyrosine kinase; plus strand). Cytogenetic location: 7q31.2.
Variant type: single nucleotide variant.
Coding change: c.2797G>A on transcript NM_000245.4 (MANE Select); coding-DNA position 2797, G replaced by A.
Protein change: p.Gly933Arg; replaces glycine 933 with arginine.
Molecular consequence: missense variant.
Genome position (GRCh38, 1-based): chr7:116,771,564, G>A. VCF-style: chr7-116771564-G-A. GRCh37 (hg19) VCF-style: chr7-116411618-G-A.
Other names: c.2851G>A, p.Gly951Arg (NM_001127500.3); c.1507G>A, p.Gly503Arg (NM_001324402.2); short protein forms G503R, G933R, G951R.
Identifiers: ClinVar variation 3367230 (VCV003367230.3).

ClinVar aggregate classification (germline): Uncertain significance. Review status: criteria provided, multiple submitters, no conflicts (2 of 4 stars). 3 submissions from 3 submitters: Uncertain significance (3). Last evaluated 2026-05-06.

Conditions:
Renal cell carcinoma. Identifiers: Orphanet 217071, MedGen C0007134, MeSH D002292, MONDO:0005086, HP:0005584.
Hereditary cancer-predisposing syndrome. Also called: Neoplastic Syndromes, Hereditary; Tumor predisposition; Hereditary Cancer Syndrome; Hereditary neoplastic syndrome. Identifiers: Orphanet 140162, MedGen C0027672, MeSH D009386, MONDO:0015356.

Submissions (3):

Ambry Genetics
Classification: Uncertain significance for Hereditary cancer-predisposing syndrome. Last evaluated: 2026-05-06. Review status: criteria provided, single submitter. Criteria: Ambry Variant Classification Scheme 2023. Collection method: clinical testing. Allele origin: germline.
Comment: The p.G951R variant (also known as c.2851G>A), located in coding exon 12 of the MET gene, results from a G to A substitution at nucleotide position 2851. The glycine at codon 951 is replaced by arginine, an amino acid with dissimilar properties. This amino acid position is well conserved in available vertebrate species. In addition, the in silico prediction for this alteration is inconclusive. Based on the available evidence, the clinical significance of this variant remains unclear.

Labcorp Genetics (formerly Invitae), Labcorp
Classification: Uncertain significance for Renal cell carcinoma. Last evaluated: 2025-04-21. Review status: criteria provided, single submitter. Criteria: Invitae Variant Classification Sherloc (09022015). Collection method: clinical testing. Allele origin: germline.
Comment: This sequence change replaces glycine, which is neutral and non-polar, with arginine, which is basic and polar, at codon 951 of the MET protein (p.Gly951Arg). This variant is not present in population databases (gnomAD no frequency). This variant has not been reported in the literature in individuals affected with MET-related conditions. ClinVar contains an entry for this variant (Variation ID: 3367230). Invitae Evidence Modeling of protein sequence and biophysical properties (such as structural, functional, and spatial information, amino acid conservation, physicochemical variation, residue mobility, and thermodynamic stability) indicates that this missense variant is not expected to disrupt MET protein function with a negative predictive value of 80%. In summary, the available evidence is currently insufficient to determine the role of this variant in disease. Therefore, it has been classified as a Variant of Uncertain Significance.

GeneDx
Classification: Uncertain significance. Last evaluated: 2023-12-23. Review status: criteria provided, single submitter. Criteria: GeneDx Variant Classification Process June 2021. Collection method: clinical testing. Allele origin: germline. Affected: yes.
Comment: Not observed at significant frequency in large population cohorts (gnomAD); In silico analysis supports that this missense variant has a deleterious effect on protein structure/function; Has not been previously published as pathogenic or benign to our knowledge